The following is an entry in ClinVar:

NM_206933.4(USH2A):c.14968+2T>G

Gene: USH2A (usherin; minus strand). Cytogenetic location: 1q41.
Variant type: single nucleotide variant.
Coding change: c.14968+2T>G on transcript NM_206933.4 (MANE Select); the canonical splice donor site of the intron after coding-DNA position 14968, T replaced by G.
Molecular consequence: splice donor variant.
Genome position (GRCh38, 1-based): chr1:215,640,556, A>C on the plus strand (T>G on the coding strand, the complement: USH2A is on the minus strand). VCF-style: chr1-215640556-A-C. GRCh37 (hg19) VCF-style: chr1-215813898-A-C.
Identifiers: ClinVar variation 857692 (VCV000857692.10), dbSNP rs1656640356, ClinGen allele CA344827548.
Genomic context (GRCh38, chr1:215,640,556, plus strand): 5'-CATCCCGTAAAGCTGGGGAACAGAGCGCCTTCCACACTGAGAAACAGGAGTCAGAAACTA[A>C]CTTTTGTCCGCCGTTCTCGGTATGTAGAGGGTGGTGTCCAAGCCGCTGTACACGCGTCGC-3'

ClinVar aggregate classification (germline): Likely pathogenic. Review status: criteria provided, multiple submitters, no conflicts (2 of 4 stars). 2 submissions from 2 submitters: Likely pathogenic (2). Last evaluated 2024-01-11.

Conditions:
Retinitis pigmentosa 39 (RP39). Identifiers: Orphanet 791, MedGen C3151138, MONDO:0013436, OMIM 613809.
Usher syndrome type 2A. Also called: RETINAL DISEASE IN USHER SYNDROME TYPE IIA, MODIFIER OF; USHER SYNDROME, TYPE IIA. Identifiers: Orphanet 231178, Orphanet 886, MedGen C1848634, MONDO:0010169, OMIM 276901.

Submissions (2):

Fulgent Genetics
Classification: Likely pathogenic for Usher syndrome type 2A; Retinitis pigmentosa 39. Last evaluated: 2024-01-11. Review status: criteria provided, single submitter. Criteria: ACMG Guidelines, 2015. Collection method: clinical testing. Allele origin: germline.

Labcorp Genetics (formerly Invitae), Labcorp
Classification: Likely pathogenic. Last evaluated: 2019-12-27. Review status: criteria provided, single submitter. Criteria: Invitae Variant Classification Sherloc (09022015). Collection method: clinical testing. Allele origin: germline.
Comment: In summary, the currently available evidence indicates that the variant is pathogenic, but additional data are needed to prove that conclusively. Therefore, this variant has been classified as Likely Pathogenic. Donor and acceptor splice site variants typically lead to a loss of protein function (PMID: 16199547), and loss-of-function variants in USH2A are known to be pathogenic (PMID: 10729113, 10909849, 20507924, 25649381). Algorithms developed to predict the effect of sequence changes on RNA splicing suggest that this variant may disrupt the consensus splice site, but this prediction has not been confirmed by published transcriptional studies. This variant has not been reported in the literature in individuals with USH2A-related conditions. This variant is not present in population databases (ExAC no frequency). This sequence change affects a donor splice site in intron 68 of the USH2A gene. It is expected to disrupt RNA splicing and likely results in an absent or disrupted protein product.

Literature cited by the submitters: PubMed 16199547 (cited by Labcorp Genetics (formerly Invitae), Labcorp); PubMed 10729113 (cited by Labcorp Genetics (formerly Invitae), Labcorp); PubMed 10909849 (cited by Labcorp Genetics (formerly Invitae), Labcorp); PubMed 20507924 (cited by Labcorp Genetics (formerly Invitae), Labcorp); PubMed 25649381 (cited by Labcorp Genetics (formerly Invitae), Labcorp).